The following is an entry in ClinVar:

NM_001267550.2(TTN):c.89228T>C (p.Ile29743Thr)

Genes: TTN (titin; minus strand), TTN-AS1 (TTN antisense RNA 1; plus strand). Cytogenetic location: 2q31.2.
Variant type: single nucleotide variant.
Coding change: c.89228T>C on transcript NM_001267550.2 (MANE Select); coding-DNA position 89228, T replaced by C.
Protein change: p.Ile29743Thr; replaces isoleucine 29743 with threonine.
Molecular consequence: missense variant.
Genome position (GRCh38, 1-based): chr2:178,553,777, A>G on the plus strand (T>C on the coding strand, the complement: TTN is on the minus strand). VCF-style: chr2-178553777-A-G. GRCh37 (hg19) VCF-style: chr2-179418504-A-G.
Other names: c.84305T>C, p.Ile28102Thr (NM_001256850.1); c.62033T>C, p.Ile20678Thr (NM_003319.4); c.81524T>C, p.Ile27175Thr (NM_133378.4); c.62408T>C, p.Ile20803Thr (NM_133432.3); c.62609T>C, p.Ile20870Thr (NM_133437.4); short protein forms I20678T, I20803T, I20870T, I27175T, I28102T, I29743T.
Identifiers: ClinVar variation 4080918 (VCV004080918.2).

ClinVar aggregate classification (germline): Uncertain significance. Review status: criteria provided, multiple submitters, no conflicts (2 of 4 stars). 2 submissions from 2 submitters: Uncertain significance (2). Last evaluated 2026-09-09.

Conditions:
TTN-related disorder. Also called: TTN-related condition; TTN-related disease; TTN-related disorders.

gnomAD v4.1: 9 of 1,604,564 alleles (0.00056%); highest among the groups gnomAD compares: Non-Finnish European, 0.00077%; no homozygotes.

Submissions (2):

PreventionGenetics, part of Exact Sciences
Classification: Uncertain significance for TTN-related condition. Last evaluated: 2026-09-09. Review status: criteria provided, single submitter. Criteria: ACMG Guidelines, 2015. Collection method: clinical testing. Allele origin: germline.
Comment: The TTN c.89228T>C variant is predicted to result in the amino acid substitution p.Ile29743Thr. To our knowledge, this variant has not been reported in the literature or in a large population database (gnomAD), indicating this variant is rare. At this time, the clinical significance of this variant is uncertain due to the absence of conclusive functional and genetic evidence.

Revvity Omics, Revvity
Classification: Uncertain significance. Last evaluated: 2024-08-05. Review status: criteria provided, single submitter. Criteria: ACMG Guidelines, 2015. Collection method: clinical testing. Allele origin: germline.